The following is an entry in ClinVar:

NM_004006.3(DMD):c.2110C>T (p.Pro704Ser)

Gene: DMD (dystrophin; minus strand). Cytogenetic location: Xp21.1.
Variant type: single nucleotide variant.
Coding change: c.2110C>T on transcript NM_004006.3 (MANE Select); coding-DNA position 2110, C replaced by T.
Protein change: p.Pro704Ser; replaces proline 704 with serine.
Molecular consequence: missense variant.
Genome position (GRCh38, 1-based): chrX:32,545,217, G>A on the plus strand (C>T on the coding strand, the complement: DMD is on the minus strand). VCF-style: chrX-32545217-G-A. GRCh37 (hg19) VCF-style: chrX-32563334-G-A.
Other names: c.2086C>T, p.Pro696Ser (NM_000109.4); c.2098C>T, p.Pro700Ser (NM_004009.3); c.1741C>T, p.Pro581Ser (NM_004010.3); short protein forms P704S, P700S, P581S, P696S.
Identifiers: ClinVar variation 409910 (VCV000409910.14), dbSNP rs1060502638, ClinGen allele CA16616688.

ClinVar aggregate classification (germline): Uncertain significance. Review status: criteria provided, multiple submitters, no conflicts (2 of 4 stars). 4 submissions from 4 submitters: Uncertain significance (3). 1 of the submissions does not count toward it. Last evaluated 2026-05-24.

Conditions:
Becker muscular dystrophy (BMD). Also called: MUSCULAR DYSTROPHY, PSEUDOHYPERTROPHIC PROGRESSIVE, BECKER TYPE; Becker Muscular Dystrophy (BMD). Identifiers: Orphanet 98895, MedGen C0917713, MONDO:0010311, OMIM 300376.
Cardiomyopathy (CMYO). Also called: Cardiomyopathies. Identifiers: Orphanet 167848, MedGen C0878544, MONDO:0004994, HP:0001638. Inheritance: Various modes of inheritance.
Duchenne muscular dystrophy (DMD). Also called: MUSCULAR DYSTROPHY, PSEUDOHYPERTROPHIC PROGRESSIVE, DUCHENNE TYPE; Duchenne Muscular Dystrophy (DMD). Identifiers: Orphanet 98896, MedGen C0013264, MONDO:0010679, OMIM 310200.
Dystrophin deficiency.
Cardiovascular phenotype. Identifiers: MedGen CN230736.

Allele frequency attached by ClinVar (database versions not stated): gnomAD exomes below 0.00001 and 0.00001; TOPMed 0.00003; gnomAD 0.00005.
gnomAD v4.1: 10 of 1,208,939 alleles (0.00083%); highest among the groups gnomAD compares: African/African-American, 0.014%; no homozygotes.

Submissions (4):

Women's Health and Genetics/Laboratory Corporation of America, LabCorp
Classification: Uncertain significance. Last evaluated: 2026-05-24. Review status: criteria provided, single submitter. Criteria: LabCorp Variant Classification Summary - May 2015. Collection method: clinical testing. Allele origin: germline.

Labcorp Genetics (formerly Invitae), Labcorp
Classification: Uncertain significance for Duchenne muscular dystrophy. Last evaluated: 2026-01-16. Review status: criteria provided, single submitter. Criteria: Invitae Variant Classification Sherloc (09022015). Collection method: clinical testing. Allele origin: germline.
Comment: This sequence change replaces proline, which is neutral and non-polar, with serine, which is neutral and polar, at codon 704 of the DMD protein (p.Pro704Ser). This variant is present in population databases (no rsID available, gnomAD 0.01%). This variant has not been reported in the literature in individuals affected with DMD-related conditions. ClinVar contains an entry for this variant (Variation ID: 409910). Invitae Evidence Modeling of protein sequence and biophysical properties (such as structural, functional, and spatial information, amino acid conservation, physicochemical variation, residue mobility, and thermodynamic stability) indicates that this missense variant is not expected to disrupt DMD protein function with a negative predictive value of 95%. In summary, the available evidence is currently insufficient to determine the role of this variant in disease. Therefore, it has been classified as a Variant of Uncertain Significance.

Ambry Genetics
Classification: Uncertain significance for Cardiovascular phenotype. Last evaluated: 2021-01-05. Review status: criteria provided, single submitter. Criteria: Ambry Variant Classification Scheme 2023. Collection method: clinical testing. Allele origin: germline.
Comment: The p.P704S variant (also known as c.2110C>T), located in coding exon 17 of the DMD gene, results from a C to T substitution at nucleotide position 2110. The proline at codon 704 is replaced by serine, an amino acid with similar properties. Based on data from gnomAD, the T allele has an overall frequency of 0.001% (2/204912) total alleles studied, with no hemizygotes observed. The highest observed frequency was 0.01% (2/19011) of African/African American alleles. This amino acid position is well conserved in available vertebrate species; however, serine is the reference amino acid in other vertebrate species. In addition, this alteration is predicted to be tolerated by in silico analysis. Since supporting evidence is limited at this time, the clinical significance of this alteration remains unclear.

Natera, Inc.
Classification: Uncertain significance for Becker muscular dystrophy; Cardiomyopathy; Duchenne muscular dystrophy; Dystrophin deficiency. Last evaluated: 2018-09-11. Review status: no assertion criteria provided. Collection method: clinical testing. Allele origin: germline. Not counted in ClinVar's aggregate classification.